The following is an entry in ClinVar:

ClinVar aggregate classification (germline): Uncertain significance (1 of 4 stars; one submission).

Submission:

Labcorp Genetics (formerly Invitae), Labcorp
Classification: Uncertain significance. Last evaluated: 2025-06-12. Review status: criteria provided, single submitter. Criteria: Invitae Variant Classification Sherloc (09022015). Collection method: clinical testing. Allele origin: germline.
Comment: This sequence change replaces glycine, which is neutral and non-polar, with valine, which is neutral and non-polar, at codon 815 of the NUP133 protein (p.Gly815Val). This variant is not present in population databases (gnomAD no frequency). This variant has not been reported in the literature in individuals affected with NUP133-related conditions. ClinVar contains an entry for this variant (Variation ID: 3685318). An algorithm developed to predict the effect of missense changes on protein structure and function (PolyPhen-2) suggests that this variant is likely to be disruptive. In summary, the available evidence is currently insufficient to determine the role of this variant in disease. Therefore, it has been classified as a Variant of Uncertain Significance.

NM_018230.3(NUP133):c.2444G>T (p.Gly815Val)

Gene: NUP133 (nucleoporin 133; minus strand). Cytogenetic location: 1q42.13.
Variant type: single nucleotide variant.
Coding change: c.2444G>T on transcript NM_018230.3 (MANE Select); coding-DNA position 2444, G replaced by T.
Protein change: p.Gly815Val; replaces glycine 815 with valine.
Molecular consequence: missense variant.
Genome position (GRCh38, 1-based): chr1:229,464,731, C>A on the plus strand (G>T on the coding strand, the complement: NUP133 is on the minus strand). VCF-style: chr1-229464731-C-A. GRCh37 (hg19) VCF-style: chr1-229600478-C-A.
Other names: short protein forms G815V.
Identifiers: ClinVar variation 3685318 (VCV003685318.2).